The following is an entry in ClinVar:

ClinVar aggregate classification (germline): Uncertain significance (1 of 4 stars; one submission).

Conditions:
Amyotrophic lateral sclerosis type 1 (ALS1). Also called: AMYOTROPHIC LATERAL SCLEROSIS 1, FAMILIAL. Identifiers: Orphanet 803, MedGen C1862939, MONDO:0007103, OMIM 105400.
Neuronopathy, distal hereditary motor, type 7B. Also called: NEURONOPATHY, DISTAL HEREDITARY MOTOR, AUTOSOMAL DOMINANT 14; NEURONOPATHY, DISTAL HEREDITARY MOTOR, HARDING TYPE VIIB; NEUROPATHY, DISTAL HEREDITARY MOTOR, HARDING TYPE VIIB; NEUROPATHY, DISTAL HEREDITARY MOTOR, WITH VOCAL CORD PARALYSIS, HARDING TYPE VIIB; Distal Hereditary Motor Neuronopathy Type 7B (dHMN7B); HMN VIIB. Identifiers: Orphanet 139589, MedGen C1843315, MONDO:0011879, OMIM 607641.
Perry syndrome. Also called: PARKINSONISM WITH ALVEOLAR HYPOVENTILATION AND MENTAL DEPRESSION. Identifiers: Orphanet 178509, MedGen C1868594, MONDO:0008201, OMIM 168605.

Allele frequency attached by ClinVar (database versions not stated): gnomAD exomes below 0.00001.
gnomAD v4.1: 1 of 1,614,244 alleles (0.000062%); highest among the groups gnomAD compares: African/African-American, 0.0013%; no homozygotes.

Submission:

Labcorp Genetics (formerly Invitae), Labcorp
Classification: Uncertain significance for Amyotrophic lateral sclerosis type 1; Neuronopathy, distal hereditary motor, type 7B; Perry syndrome. Last evaluated: 2025-02-19. Review status: criteria provided, single submitter. Criteria: Invitae Variant Classification Sherloc (09022015). Collection method: clinical testing. Allele origin: germline.
Comment: This sequence change replaces arginine, which is basic and polar, with glutamine, which is neutral and polar, at codon 802 of the DCTN1 protein (p.Arg802Gln). This variant is not present in population databases (gnomAD no frequency). This variant has not been reported in the literature in individuals affected with DCTN1-related conditions. ClinVar contains an entry for this variant (Variation ID: 2929838). Invitae Evidence Modeling of protein sequence and biophysical properties (such as structural, functional, and spatial information, amino acid conservation, physicochemical variation, residue mobility, and thermodynamic stability) indicates that this missense variant is not expected to disrupt DCTN1 protein function with a negative predictive value of 95%. In summary, the available evidence is currently insufficient to determine the role of this variant in disease. Therefore, it has been classified as a Variant of Uncertain Significance.

NM_004082.5(DCTN1):c.2405G>A (p.Arg802Gln)

Gene: DCTN1 (dynactin subunit 1; minus strand). Cytogenetic location: 2p13.1.
Variant type: single nucleotide variant.
Coding change: c.2405G>A on transcript NM_004082.5 (MANE Select); coding-DNA position 2405, G replaced by A.
Protein change: p.Arg802Gln; replaces arginine 802 with glutamine.
Molecular consequence: missense variant. On other transcripts: non-coding transcript variant (1).
Genome position (GRCh38, 1-based): chr2:74,366,844, C>T on the plus strand (G>A on the coding strand, the complement: DCTN1 is on the minus strand). VCF-style: chr2-74366844-C-T. GRCh37 (hg19) VCF-style: chr2-74593971-C-T.
Other names: c.2345G>A, p.Arg782Gln (NM_001135040.3); c.2003G>A, p.Arg668Gln (NM_001135041.3, NM_023019.4); c.2294G>A, p.Arg765Gln (NM_001190836.2); c.2384G>A, p.Arg795Gln (NM_001190837.2); c.2354G>A, p.Arg785Gln (NM_001378991.1); c.2336G>A, p.Arg779Gln (NM_001378992.1); short protein forms R785Q, R795Q, R802Q, R779Q, R668Q, R765Q, R782Q.
Identifiers: ClinVar variation 2929838 (VCV002929838.3), dbSNP rs2529117429, ClinGen allele CA347347453.